The following is an entry in ClinVar:

NM_173628.4(DNAH17):c.8512-6G>A

Gene: DNAH17 (dynein axonemal heavy chain 17; minus strand). Cytogenetic location: 17q25.3.
Variant type: single nucleotide variant.
Coding change: c.8512-6G>A on transcript NM_173628.4 (MANE Select); 6 bases into the intron before coding-DNA position 8512, G replaced by A.
Molecular consequence: intron variant.
Genome position (GRCh38, 1-based): chr17:78,468,889, C>T on the plus strand (G>A on the coding strand, the complement: DNAH17 is on the minus strand). VCF-style: chr17-78468889-C-T. GRCh37 (hg19) VCF-style: chr17-76464971-C-T.
Identifiers: ClinVar variation 3044377 (VCV003044377.2), dbSNP rs149481363, ClinGen allele CA8801761.

ClinVar aggregate classification (germline): Benign (0 of 4 stars; one submission).

Conditions:
DNAH17-related disorder. Also called: DNAH17-related condition.

Allele frequency attached by ClinVar (database versions not stated): gnomAD exomes 0.00098; ExAC 0.00307; ESP Exome Variant Server 0.00415; gnomAD 0.00526; TOPMed 0.00584; 1000 Genomes Project 0.01038; 1000 Genomes Project 30x 0.01140.
gnomAD v4.1: 2,294 of 1,611,050 alleles (0.14%); highest among the groups gnomAD compares: East Asian, 1.6%; 13 homozygotes.

Submission:

PreventionGenetics, part of Exact Sciences
Classification: Benign for DNAH17-related condition. Last evaluated: 2019-06-06. Review status: no assertion criteria provided. Collection method: clinical testing. Allele origin: germline.
Comment: This variant is classified as benign based on ACMG/AMP sequence variant interpretation guidelines (Richards et al. 2015 PMID: 25741868, with internal and published modifications).